The following is an entry in ClinVar:

NM_001042492.3(NF1):c.6897del (p.Lys2300fs)

Gene: NF1 (neurofibromin 1; plus strand). Cytogenetic location: 17q11.2.
Variant type: Deletion.
Coding change: c.6897del on transcript NM_001042492.3 (MANE Select); coding-DNA position 6897, one base deleted (C; older notation c.6897delC).
Protein change: p.Lys2300fs; shifts the reading frame from lysine 2300.
Molecular consequence: frameshift variant.
Genome position (GRCh38, 1-based): chr17:31,338,781, C deleted; the last of 2 consecutive C bases (chr17:31,338,780-31,338,781); deleting either gives the same sequence. VCF-style (leftmost placement, unchanged base first): chr17-31338779-AC-A. GRCh37 (hg19) VCF-style: chr17-29665797-AC-A.
Other names: c.6834delC, p.Lys2279Asnfs (NM_000267.4); c.6834delC (NM_000267.3); short protein forms K2279fs, K2300fs.
Identifiers: ClinVar variation 1527847 (VCV001527847.5), dbSNP rs2508763044, ClinGen allele CA2573153880.

ClinVar aggregate classification (germline): Pathogenic. Review status: criteria provided, multiple submitters, no conflicts (2 of 4 stars). 3 submissions from 3 submitters: Pathogenic (3). Last evaluated 2024-12-18.

Conditions:
Cardiovascular phenotype. Identifiers: MedGen CN230736.
Hereditary cancer-predisposing syndrome. Also called: Tumor predisposition; Hereditary neoplastic syndrome; Neoplastic Syndromes, Hereditary; Hereditary Cancer Syndrome. Identifiers: Orphanet 140162, MedGen C0027672, MeSH D009386, MONDO:0015356.
Juvenile myelomonocytic leukemia (JMML). Also called: LEUKEMIA, JUVENILE MYELOMONOCYTIC, SOMATIC. Identifiers: Orphanet 86834, MedGen C0349639, MONDO:0011908, OMIM 607785, HP:0012209.
Café-au-lait macules with pulmonary stenosis (WTSN). Also called: PULMONIC STENOSIS WITH CAFE-AU-LAIT SPOTS. Identifiers: MedGen C0553586, MONDO:0008672, OMIM 193520.
Neurofibromatosis, familial spinal (FSNF). Identifiers: Orphanet 636, MedGen C1834235, MONDO:0008078, OMIM 162210. Disease mechanism: loss of function.
Neurofibromatosis, type 1 (NF1). Also called: VON RECKLINGHAUSEN DISEASE; Neurofibromatosis, type I; Peripheral type neurofibromatosis; NEUROFIBROMATOSIS, TYPE I, SOMATIC. Identifiers: Orphanet 636, MedGen C0027831, MONDO:0018975, OMIM 162200. Disease mechanism: loss of function.
Neurofibromatosis-Noonan syndrome (NFNS). Also called: NEUROFIBROMATOSIS WITH NOONAN PHENOTYPE. Identifiers: Orphanet 638, MedGen C2931482, MONDO:0011035, OMIM 601321. Disease mechanism: loss of function.

Submissions (3):

Ambry Genetics
Classification: Pathogenic for Cardiovascular phenotype; Hereditary cancer-predisposing syndrome. Last evaluated: 2024-12-18. Review status: criteria provided, single submitter. Criteria: Ambry Variant Classification Scheme 2023. Collection method: clinical testing. Allele origin: germline.
Comment: The c.6834delC pathogenic mutation, located in coding exon 45 of the NF1 gene, results from a deletion of one nucleotide at nucleotide position 6834, causing a translational frameshift with a predicted alternate stop codon (p.K2279Nfs*19). This variant was reported in individual(s) with features consistent with Neurofibromatosis type 1 (NF1); in at least one individual (Ambry internal data). This alteration is expected to result in loss of function by premature protein truncation or nonsense-mediated mRNA decay. As such, this alteration is interpreted as a disease-causing mutation.

Fulgent Genetics
Classification: Pathogenic for Neurofibromatosis, type 1; Neurofibromatosis, familial spinal; Café-au-lait macules with pulmonary stenosis; Neurofibromatosis-Noonan syndrome; Juvenile myelomonocytic leukemia. Last evaluated: 2021-09-30. Review status: criteria provided, single submitter. Criteria: ACMG Guidelines, 2015. Collection method: clinical testing. Allele origin: unknown.

Center for Genomics, Ann and Robert H. Lurie Children's Hospital of Chicago
Classification: Pathogenic for Café-au-lait macules with pulmonary stenosis; Juvenile myelomonocytic leukemia; Neurofibromatosis, familial spinal; Neurofibromatosis, type 1; Neurofibromatosis-Noonan syndrome. Review status: criteria provided, single submitter. Criteria: ACMG Guidelines, 2015. Collection method: clinical testing. Allele origin: germline.
Comment: NF1 NM_000267.3 exon 45 p.Lys2279Asnfs*19 (c.6834del): This variant has been reported in the literature in one individual who met NIH diagnostic criteria for neurofibromatosis type I (Griffiths 2007 PMID:16944272). This variant is not present in large control databases. Evolutionary conservation and computational predictive tools for this variant are limited or unavailable. This variant creates a premature stop codon 19 amino acids downstream from this location which results in an absent or abnormal protein product. Loss-of-function variants are a known mechanism of disease for this gene (Sabbagh 2013 PMID:23913538). In summary, this variant is classified as pathogenic.